The following is an entry in ClinVar:

ClinVar aggregate classification (germline): Likely benign. Review status: criteria provided, multiple submitters, no conflicts (2 of 4 stars). 2 submissions from 2 submitters: Likely benign (2). Last evaluated 2025-05-01.

gnomAD v4.1: 6 of 1,614,016 alleles (0.00037%); highest among the groups gnomAD compares: Non-Finnish European, 0.00051%; no homozygotes.

Submissions (2):

CeGaT Center for Human Genetics Tuebingen
Classification: Likely benign. Last evaluated: 2025-05-01. Review status: criteria provided, single submitter. Criteria: CeGaT Center For Human Genetics Tuebingen Variant Classification Criteria Version 2. Collection method: clinical testing. Allele origin: germline. Affected: yes. Observed: 1 variant allele.
Comment: NSD1: BP4, BP7

Labcorp Genetics (formerly Invitae), Labcorp
Classification: Likely benign. Last evaluated: 2023-08-01. Review status: criteria provided, single submitter. Criteria: Invitae Variant Classification Sherloc (09022015). Collection method: clinical testing. Allele origin: germline.

NM_022455.5(NSD1):c.1485T>C (p.Ala495=)

Gene: NSD1 (nuclear receptor binding SET domain protein 1; plus strand). Cytogenetic location: 5q35.3.
Variant type: single nucleotide variant.
Coding change: c.1485T>C on transcript NM_022455.5 (MANE Select); coding-DNA position 1485, T replaced by C.
Protein change: p.Ala495=; no amino-acid change (alanine 495 retained).
Molecular consequence: synonymous variant.
Genome position (GRCh38, 1-based): chr5:177,209,884, T>C. VCF-style: chr5-177209884-T-C. GRCh37 (hg19) VCF-style: chr5-176636885-T-C.
Other names: c.612T>C, p.Ala204= (NM_001365684.2, NM_001409306.1, NM_001409307.1 and 3 more transcripts); c.1485T>C, p.Ala495= (NM_001409301.1, NM_001409302.1, NM_001409303.1); c.1065T>C, p.Ala355= (NM_001409304.1); c.732T>C, p.Ala244= (NM_001409305.1).
Identifiers: ClinVar variation 3709777 (VCV003709777.12).
Genomic context (GRCh38, chr5:177,209,884, plus strand): 5'-TTTGAAATCACTGGCTTTTGATTCTGAACATTCTGCAGATGAGAAGGAAAAGCCTTGCGC[T>C]AAATCTCGAGCCAGAAAGAGCTCTGATAATCCAAAAAGGACTAGTGTGAAAAAGGGCCAC-3'
Protein context (NP_071900.2, residues 485-505): HSADEKEKPC[Ala495=]KSRARKSSDN